The following is an entry in ClinVar:

NM_001605.3(AARS1):c.2025A>G (p.Ala675=)

Gene: AARS1 (alanyl-tRNA synthetase 1; minus strand). Cytogenetic location: 16q22.1.
Variant type: single nucleotide variant.
Coding change: c.2025A>G on transcript NM_001605.3 (MANE Select); coding-DNA position 2025, A replaced by G.
Protein change: p.Ala675=; no amino-acid change (alanine 675 retained).
Molecular consequence: synonymous variant.
Genome position (GRCh38, 1-based): chr16:70,258,185, T>C on the plus strand (A>G on the coding strand, the complement: AARS1 is on the minus strand). VCF-style: chr16-70258185-T-C. GRCh37 (hg19) VCF-style: chr16-70292088-T-C.
Other names: c.2025A>G (NM_001605.2).
Identifiers: ClinVar variation 1682172 (VCV001682172.9), dbSNP rs745695764, ClinGen allele CA8140582.
Genomic context (GRCh38, chr16:70,258,185, plus strand): 5'-TCGCACAGGGTCAGGATAGGTCTCATCAAACACAGCCCGTAGGCCCTGGATGGCTTTCGC[T>C]GCTGCCAGGGGGCAATCCTGGGTATAGACGGCCTGCCAGACCAAGAAGACAGAAAAGAGC-3'
Protein context (NP_001596.2, residues 665-685): AVYTQDCPLA[Ala675=]AKAIQGLRAV

ClinVar aggregate classification (germline): Likely benign. Review status: criteria provided, multiple submitters, no conflicts (2 of 4 stars). 2 submissions from 2 submitters: Likely benign (2). Last evaluated 2025-08-05.

Conditions:
AARS1-related disorder. Also called: AARS1-related condition.
Charcot-Marie-Tooth disease type 2. Also called: Charcot-Marie-Tooth type 2. Identifiers: Orphanet 64746, MedGen C0270914, MONDO:0018993.

Allele frequency attached by ClinVar (database versions not stated): gnomAD exomes 0.00001 and 0.00002; ExAC 0.00005; gnomAD 0.00005; TOPMed 0.00005.
gnomAD v4.1: 41 of 1,604,082 alleles (0.0026%); highest among the groups gnomAD compares: African/African-American, 0.0067%; no homozygotes.

Submissions (2):

PreventionGenetics, part of Exact Sciences
Classification: Likely benign for AARS1-related condition. Last evaluated: 2025-08-05. Review status: criteria provided, single submitter. Criteria: ACMG Guidelines, 2015. Collection method: clinical testing. Allele origin: germline.
Comment: This variant is classified as likely benign based on ACMG/AMP sequence variant interpretation guidelines (Richards et al. 2015 PMID: 25741868, with internal and published modifications).

Labcorp Genetics (formerly Invitae), Labcorp
Classification: Likely benign for Charcot-Marie-Tooth disease type 2. Last evaluated: 2025-05-11. Review status: criteria provided, single submitter. Criteria: Invitae Variant Classification Sherloc (09022015). Collection method: clinical testing. Allele origin: germline.